The following is an entry in ClinVar:

NM_004380.3(CREBBP):c.5506A>G (p.Asn1836Asp)

Gene: CREBBP (CREB binding protein; minus strand). Cytogenetic location: 16p13.3.
Variant type: single nucleotide variant.
Coding change: c.5506A>G on transcript NM_004380.3 (MANE Select); coding-DNA position 5506, A replaced by G.
Protein change: p.Asn1836Asp; replaces asparagine 1836 with aspartic acid.
Molecular consequence: missense variant.
Genome position (GRCh38, 1-based): chr16:3,729,541, T>C on the plus strand (A>G on the coding strand, the complement: CREBBP is on the minus strand). VCF-style: chr16-3729541-T-C. GRCh37 (hg19) VCF-style: chr16-3779542-T-C.
Other names: c.5392A>G, p.Asn1798Asp (NM_001079846.1); short protein forms N1798D, N1836D.
Identifiers: ClinVar variation 3252325 (VCV003252325.1), dbSNP rs2151310311.

ClinVar aggregate classification (germline): Uncertain significance (1 of 4 stars; one submission).

Submission:

GeneDx
Classification: Uncertain significance. Last evaluated: 2023-06-12. Review status: criteria provided, single submitter. Criteria: GeneDx Variant Classification Process June 2021. Collection method: clinical testing. Allele origin: germline. Affected: yes.
Comment: Not observed at significant frequency in large population cohorts (gnomAD); In silico analysis supports that this missense variant has a deleterious effect on protein structure/function; Has not been previously published as pathogenic or benign to our knowledge; This variant is associated with the following publications: (PMID: 27311832)